The following is an entry in ClinVar:

ClinVar aggregate classification (germline): Uncertain significance (1 of 4 stars; one submission).

Conditions:
Autosomal dominant limb-girdle muscular dystrophy type 1F (LGMDD2). Also called: Limb-girdle muscular dystrophy, type 1F; MUSCULAR DYSTROPHY, LIMB-GIRDLE, AUTOSOMAL DOMINANT 2. Identifiers: Orphanet 55595, MedGen C1842062, MONDO:0012034, OMIM 608423.

Allele frequency attached by ClinVar (database versions not stated): TOPMed 0.00002.

Submission:

Labcorp Genetics (formerly Invitae), Labcorp
Classification: Uncertain significance for Autosomal dominant limb-girdle muscular dystrophy type 1F. Last evaluated: 2022-08-09. Review status: criteria provided, single submitter. Criteria: Invitae Variant Classification Sherloc (09022015). Collection method: clinical testing. Allele origin: germline.
Comment: ClinVar contains an entry for this variant (Variation ID: 1008848). This variant has not been reported in the literature in individuals affected with TNPO3-related conditions. This variant is not present in population databases (gnomAD no frequency). This sequence change replaces threonine, which is neutral and polar, with arginine, which is basic and polar, at codon 889 of the TNPO3 protein (p.Thr889Arg). In summary, the available evidence is currently insufficient to determine the role of this variant in disease. Therefore, it has been classified as a Variant of Uncertain Significance. Algorithms developed to predict the effect of missense changes on protein structure and function (SIFT, PolyPhen-2, Align-GVGD) all suggest that this variant is likely to be tolerated.

NM_012470.4(TNPO3):c.2666C>G (p.Thr889Arg)

Gene: TNPO3 (transportin 3; minus strand). Cytogenetic location: 7q32.1.
Variant type: single nucleotide variant.
Coding change: c.2666C>G on transcript NM_012470.4 (MANE Select); coding-DNA position 2666, C replaced by G.
Protein change: p.Thr889Arg; replaces threonine 889 with arginine.
Molecular consequence: missense variant. On other transcripts: non-coding transcript variant (18).
Genome position (GRCh38, 1-based): chr7:128,967,325, G>C on the plus strand (C>G on the coding strand, the complement: TNPO3 is on the minus strand). VCF-style: chr7-128967325-G-C. GRCh37 (hg19) VCF-style: chr7-128607379-G-C.
Other names: c.2474C>G, p.Thr825Arg (NM_001191028.3, NM_001382223.1); c.2768C>G, p.Thr923Arg (NM_001382216.1); c.2747C>G, p.Thr916Arg (NM_001382217.1); c.2666C>G, p.Thr889Arg (NM_001382218.1); c.2558C>G, p.Thr853Arg (NM_001382219.1); c.2525C>G, p.Thr842Arg (NM_001382220.1); c.2522C>G, p.Thr841Arg (NM_001382221.1); c.2519C>G, p.Thr840Arg (NM_001382222.1); short protein forms T825R, T840R, T841R, T842R, T853R, T889R, T916R, T923R.
Identifiers: ClinVar variation 1008848 (VCV001008848.9), dbSNP rs1798016883, ClinGen allele CA369249728.